The following is an entry in ClinVar:

ClinVar aggregate classification (germline): Uncertain significance (1 of 4 stars; one submission).

Submission:

Labcorp Genetics (formerly Invitae), Labcorp
Classification: Uncertain significance. Last evaluated: 2023-06-22. Review status: criteria provided, single submitter. Criteria: Invitae Variant Classification Sherloc (09022015). Collection method: clinical testing. Allele origin: germline.
Comment: This variant has not been reported in the literature in individuals affected with NEFH-related conditions. Experimental studies and prediction algorithms are not available or were not evaluated, and the functional significance of this variant is currently unknown. This variant is not present in population databases (gnomAD no frequency). This sequence change creates a premature translational stop signal (p.Glu477Glyfs*13) in the NEFH gene. While this is not anticipated to result in nonsense mediated decay, it is expected to disrupt the last 544 amino acid(s) of the NEFH protein. In summary, the available evidence is currently insufficient to determine the role of this variant in disease. Therefore, it has been classified as a Variant of Uncertain Significance.

NM_021076.4(NEFH):c.1430_1431del (p.Glu477fs)

Gene: NEFH (neurofilament heavy chain; plus strand). Cytogenetic location: 22q12.2.
Variant type: Microsatellite.
Coding change: c.1430_1431del on transcript NM_021076.4 (MANE Select); coding-DNA positions 1430 to 1431, 2 bases deleted (AG; older notation c.1430_1431delAG).
Protein change: p.Glu477fs; shifts the reading frame from glutamic acid 477.
Molecular consequence: frameshift variant.
Genome position (GRCh38, 1-based): chr22:29,489,070-29,489,071, AG deleted; deleting any 2 consecutive bases within chr22:29,489,068-29,489,071 gives the same sequence; the c. name uses the placement nearest the transcript's 3' end. VCF-style (leftmost placement, unchanged base first): chr22-29489067-AAG-A. GRCh37 (hg19) VCF-style: chr22-29885056-AAG-A.
Other names: short protein forms E477fs.
Identifiers: ClinVar variation 2723948 (VCV002723948.3), dbSNP rs2517976755, ClinGen allele CA2697552667.